The following is an entry in ClinVar:

ClinVar aggregate classification (germline): Pathogenic (1 of 4 stars; one submission).

Conditions:
Familial adenomatous polyposis 1 (FAP1). Also called: POLYPOSIS, ADENOMATOUS INTESTINAL; FAMILIAL ADENOMATOUS POLYPOSIS 1, ATTENUATED. Identifiers: MedGen C2713442, MONDO:0021056, OMIM 175100. Disease mechanism: loss of function.

Submission:

Myriad Genetics, Inc.
Classification: Pathogenic for Familial adenomatous polyposis 1. Last evaluated: 2023-05-04. Review status: criteria provided, single submitter. Criteria: Myriad Autosomal Dominant, Autosomal Recessive and X-Linked Classification Criteria (2023). Collection method: clinical testing. Allele origin: unknown.
Comment: This variant is considered pathogenic. This variant creates a frameshift predicted to result in premature protein truncation.

NM_000038.6(APC):c.2315del (p.Thr772fs)

Gene: APC (APC regulator of Wnt signaling pathway; plus strand). Cytogenetic location: 5q22.2.
Variant type: Deletion.
Coding change: c.2315del on transcript NM_000038.6 (MANE Select); coding-DNA position 2315, one base deleted (C; older notation c.2315delC).
Protein change: p.Thr772fs; shifts the reading frame from threonine 772.
Molecular consequence: frameshift variant. On other transcripts: non-coding transcript variant (2).
Genome position (GRCh38, 1-based): chr5:112,837,909, C deleted. VCF-style (leftmost placement, unchanged base first): chr5-112837908-AC-A. GRCh37 (hg19) VCF-style: chr5-112173605-AC-A.
Other names: c.2315del, p.Thr772fs (NM_001127510.3, NM_001354895.2, NM_001407450.1); c.2261del, p.Thr754fs (NM_001127511.3); c.2369del, p.Thr790fs (NM_001354896.2, NM_001407447.1, NM_001407448.1 and 1 more transcripts); c.2345del, p.Thr782fs (NM_001354897.2); c.2240del, p.Thr747fs (NM_001354898.2); c.2231del, p.Thr744fs (NM_001354899.2); c.2192del, p.Thr731fs (NM_001354900.2); c.2138del, p.Thr713fs (NM_001354901.2, NM_001407453.1); and 11 more; short protein forms T388fs, T489fs, T612fs, T643fs, T646fs, T671fs, T681fs, T689fs.
Identifiers: ClinVar variation 2583712 (VCV002583712.1), dbSNP rs2533411759, ClinGen allele CA645562835.